The following is an entry in ClinVar:

NM_172107.4(KCNQ2):c.2132A>C (p.Gln711Pro)

Gene: KCNQ2 (potassium voltage-gated channel subfamily Q member 2; minus strand). Cytogenetic location: 20q13.33.
Variant type: single nucleotide variant.
Coding change: c.2132A>C on transcript NM_172107.4 (MANE Select); coding-DNA position 2132, A replaced by C.
Protein change: p.Gln711Pro; replaces glutamine 711 with proline.
Molecular consequence: missense variant.
Genome position (GRCh38, 1-based): chr20:63,407,131, T>G on the plus strand (A>C on the coding strand, the complement: KCNQ2 is on the minus strand). VCF-style: chr20-63407131-T-G. GRCh37 (hg19) VCF-style: chr20-62038484-T-G.
Other names: c.2186A>C, p.Gln729Pro (NM_001382235.1); c.2048A>C, p.Gln683Pro (NM_004518.6); c.2078A>C, p.Gln693Pro (NM_172106.3); c.2039A>C, p.Gln680Pro (NM_172108.5); short protein forms Q711P, Q693P, Q729P, Q680P, Q683P.
Identifiers: ClinVar variation 1498902 (VCV001498902.7), dbSNP rs2145486666, ClinGen allele CA409638900.

ClinVar aggregate classification (germline): Uncertain significance (1 of 4 stars; one submission).

Conditions:
Early-infantile DEE. Also called: Early infantile epileptic encephalopathy; Ohtahara syndrome; Early infantile epileptic encephalopathy with suppression bursts. Identifiers: Orphanet 1934, MedGen C0393706, MONDO:0800491.

gnomAD v4.1: 2 of 1,561,388 alleles (0.00013%); highest among the groups gnomAD compares: Non-Finnish European, 0.00017%; no homozygotes.

Submission:

Labcorp Genetics (formerly Invitae), Labcorp
Classification: Uncertain significance for Early-infantile DEE. Last evaluated: 2021-11-16. Review status: criteria provided, single submitter. Criteria: Invitae Variant Classification Sherloc (09022015). Collection method: clinical testing. Allele origin: germline.
Comment: This variant has not been reported in the literature in individuals affected with KCNQ2-related conditions. This variant is not present in population databases (gnomAD no frequency). This sequence change replaces glutamine, which is neutral and polar, with proline, which is neutral and non-polar, at codon 711 of the KCNQ2 protein (p.Gln711Pro). In summary, the available evidence is currently insufficient to determine the role of this variant in disease. Therefore, it has been classified as a Variant of Uncertain Significance. Advanced modeling of protein sequence and biophysical properties (such as structural, functional, and spatial information, amino acid conservation, physicochemical variation, residue mobility, and thermodynamic stability) performed at Invitae indicates that this missense variant is not expected to disrupt KCNQ2 protein function.